The following is an entry in ClinVar:

ClinVar aggregate classification (germline): Uncertain significance (1 of 4 stars; one submission).

Conditions:
Mesoaxial synostotic syndactyly with phalangeal reduction. Identifiers: Orphanet 157801, MedGen C1836206, MONDO:0012271, OMIM 609432.

Submission:

Medgenome Labs Ltd
Classification: Uncertain significance for Mesoaxial synostotic syndactyly with phalangeal reduction. Last evaluated: 2026-05-12. Review status: criteria provided, single submitter. Criteria: ACMG Guidelines, 2015. Collection method: clinical testing. Allele origin: germline. Inheritance: Autosomal recessive inheritance. Affected: yes. Observed: 2 variant alleles.
Comment: this variant is not previously observed in the population databases gnomAD4.1, gnomAD3.1, 1000genomes and topmed databases (PM2_Sup)

NM_001164405.2(BHLHA9):c.252_270delinsGCA (p.Phe85fs)

Gene: BHLHA9 (basic helix-loop-helix family member a9; plus strand). Cytogenetic location: 17p13.3.
Variant type: Indel.
Coding change: c.252_270delinsGCA on transcript NM_001164405.2 (MANE Select); coding-DNA positions 252 to 270, CTTCAACGCGCTGCGCCGG replaced by GCA.
Protein change: p.Phe85fs; shifts the reading frame from phenylalanine 85.
Molecular consequence: frameshift variant.
Genome position (GRCh38, 1-based): chr17:1,270,815-1,270,833, CTTCAACGCGCTGCGCCGG replaced by GCA. VCF-style: chr17-1270815-CTTCAACGCGCTGCGCCGG-GCA. GRCh37 (hg19) VCF-style: chr17-1174109-CTTCAACGCGCTGCGCCGG-GCA.
Other names: short protein forms F85fs.
Identifiers: ClinVar variation 5010154 (VCV005010154.1).